The following is an entry in ClinVar:

ClinVar aggregate classification (germline): Likely pathogenic (1 of 4 stars; one submission).

Conditions:
SON-related disorder. Also called: SON-related condition.

Submission:

PreventionGenetics, part of Exact Sciences
Classification: Likely pathogenic for SON-related condition. Last evaluated: 2023-08-16. Review status: criteria provided, single submitter. Criteria: ACMG Guidelines, 2015. Collection method: clinical testing. Allele origin: germline.
Comment: The SON c.2847_2848dupTA variant is predicted to result in a frameshift and premature protein termination (p.Arg950Ilefs*3). To our knowledge, this variant has not been reported in the literature or in a large population database, indicating this variant is rare. Frameshift variants in SON are expected to be pathogenic. This variant is interpreted as likely pathogenic.

NM_138927.4(SON):c.2847_2848dup (p.Arg950fs)

Gene: SON (SON DNA and RNA binding protein; plus strand). Cytogenetic location: 21q22.11.
Variant type: Microsatellite.
Coding change: c.2847_2848dup on transcript NM_138927.4 (MANE Select); coding-DNA positions 2847 to 2848, 2 bases duplicated (TA; older notation c.2847_2848dupTA).
Protein change: p.Arg950fs; shifts the reading frame from arginine 950.
Molecular consequence: frameshift variant. On other transcripts: non-coding transcript variant (1), intron variant (1).
Genome position (GRCh38, 1-based): chr21:33,552,078-33,552,079, TA duplicated; duplicating any 2 consecutive bases within chr21:33,552,076-33,552,079 gives the same sequence; the c. name uses the placement nearest the transcript's 3' end. VCF-style (leftmost placement, unchanged base first): chr21-33552075-T-TTA. GRCh37 (hg19) VCF-style: chr21-34924381-T-TTA.
Other names: c.2847_2848dup, p.Arg950fs (NM_001291411.2, NM_032195.3); c.2845_2846TA[3], p.Arg950Ilefs (NM_001412133.1, NM_058183.2, NM_138926.1); c.245-5080TA[3] (NM_001291412.3); short protein forms R950fs.
Identifiers: ClinVar variation 2631779 (VCV002631779.1), dbSNP rs2517366003, ClinGen allele CA2695201436.